The following is an entry in ClinVar:

NM_012082.4(ZFPM2):c.2762A>G (p.Asn921Ser)

Genes: ZFPM2 (zinc finger protein, FOG family member 2; plus strand), ZFPM2-AS1 (ZFPM2 antisense RNA 1; minus strand), LOC126860469 (BRD4-independent group 4 enhancer GRCh37_chr8:106814445-106815644; plus strand). Cytogenetic location: 8q23.1.
Variant type: single nucleotide variant.
Coding change: c.2762A>G on transcript NM_012082.4 (MANE Select); coding-DNA position 2762, A replaced by G.
Protein change: p.Asn921Ser; replaces asparagine 921 with serine.
Molecular consequence: missense variant.
Genome position (GRCh38, 1-based): chr8:105,802,844, A>G. VCF-style: chr8-105802844-A-G. GRCh37 (hg19) VCF-style: chr8-106815072-A-G.
Other names: c.2603A>G, p.Asn868Ser (NM_001362836.2); c.2366A>G, p.Asn789Ser (NM_001362837.2); short protein forms N789S, N921S, N868S.
Identifiers: ClinVar variation 1428059 (VCV001428059.8), dbSNP rs771987459, ClinGen allele CA4839962.
Genomic context (GRCh38, chr8:105,802,844, plus strand): 5'-AACGAAACAGCCCTGATGTCAGCTACGAAAGAAGCATAATAAAATGTGAGAAAAATGGGA[A>G]TTTGAAGCAGCCTTCCCCCAATGGAAACTTATTTTCATCCCACCTAGCAACCCTGCAAGG-3'
Protein context (NP_036214.2, residues 911-931): RSIIKCEKNG[Asn921Ser]LKQPSPNGNL

ClinVar aggregate classification (germline): Uncertain significance (1 of 4 stars; one submission).

Conditions:
46,XY sex reversal 9 (SRXY9). Also called: 46,XY SEX REVERSAL, ZFPM2-RELATED. Identifiers: Orphanet 251510, MedGen C4015129, MONDO:0014480, OMIM 616067.

Allele frequency attached by ClinVar (database versions not stated): TOPMed 0.00001.
gnomAD v4.1: 38 of 1,613,732 alleles (0.0024%); highest among the groups gnomAD compares: Non-Finnish European, 0.0031%; no homozygotes.

Submission:

Labcorp Genetics (formerly Invitae), Labcorp
Classification: Uncertain significance for 46,XY sex reversal 9. Last evaluated: 2021-04-03. Review status: criteria provided, single submitter. Criteria: Invitae Variant Classification Sherloc (09022015). Collection method: clinical testing. Allele origin: germline.
Comment: This variant has not been reported in the literature in individuals with ZFPM2-related conditions. In summary, the available evidence is currently insufficient to determine the role of this variant in disease. Therefore, it has been classified as a Variant of Uncertain Significance. Algorithms developed to predict the effect of missense changes on protein structure and function (SIFT, PolyPhen-2, Align-GVGD) all suggest that this variant is likely to be tolerated, but these predictions have not been confirmed by published functional studies and their clinical significance is uncertain. This variant is present in population databases (rs771987459, ExAC 0.002%). This sequence change replaces asparagine with serine at codon 921 of the ZFPM2 protein (p.Asn921Ser). The asparagine residue is highly conserved and there is a small physicochemical difference between asparagine and serine.